The following is an entry in ClinVar:

ClinVar aggregate classification (germline): Uncertain significance (1 of 4 stars; one submission).

Conditions:
Duchenne muscular dystrophy (DMD). Also called: Duchenne Muscular Dystrophy (DMD); MUSCULAR DYSTROPHY, PSEUDOHYPERTROPHIC PROGRESSIVE, DUCHENNE TYPE. Identifiers: Orphanet 98896, MedGen C0013264, MONDO:0010679, OMIM 310200.

Submission:

Labcorp Genetics (formerly Invitae), Labcorp
Classification: Uncertain significance for Duchenne muscular dystrophy. Last evaluated: 2025-06-17. Review status: criteria provided, single submitter. Criteria: Invitae Variant Classification Sherloc (09022015). Collection method: clinical testing. Allele origin: germline.
Comment: This sequence change replaces arginine, which is basic and polar, with serine, which is neutral and polar, at codon 1868 of the DMD protein (p.Arg1868Ser). This variant is not present in population databases (gnomAD no frequency). This variant has not been reported in the literature in individuals affected with DMD-related conditions. Invitae Evidence Modeling of protein sequence and biophysical properties (such as structural, functional, and spatial information, amino acid conservation, physicochemical variation, residue mobility, and thermodynamic stability) indicates that this missense variant is not expected to disrupt DMD protein function with a negative predictive value of 95%. Algorithms developed to predict the effect of sequence changes on RNA splicing suggest that this variant may disrupt the consensus splice site. In summary, the available evidence is currently insufficient to determine the role of this variant in disease. Therefore, it has been classified as a Variant of Uncertain Significance.

NM_004006.3(DMD):c.5604A>T (p.Arg1868Ser)

Gene: DMD (dystrophin; minus strand). Cytogenetic location: Xp21.1.
Variant type: single nucleotide variant.
Coding change: c.5604A>T on transcript NM_004006.3 (MANE Select); coding-DNA position 5604, A replaced by T.
Protein change: p.Arg1868Ser; replaces arginine 1868 with serine.
Molecular consequence: missense variant.
Genome position (GRCh38, 1-based): chrX:32,343,269, T>A on the plus strand (A>T on the coding strand, the complement: DMD is on the minus strand). VCF-style: chrX-32343269-T-A. GRCh37 (hg19) VCF-style: chrX-32361386-T-A.
Other names: c.5580A>T, p.Arg1860Ser (NM_000109.4); c.5592A>T, p.Arg1864Ser (NM_004009.3); c.5235A>T, p.Arg1745Ser (NM_004010.3); c.1581A>T, p.Arg527Ser (NM_004011.4); c.1572A>T, p.Arg524Ser (NM_004012.4); short protein forms R1745S, R1860S, R1864S, R1868S, R524S, R527S.
Identifiers: ClinVar variation 4807083 (VCV004807083.1).